The following is an entry in ClinVar:

NM_001111.5(ADAR):c.3568C>T (p.Arg1190Cys)

Gene: ADAR (adenosine deaminase RNA specific; minus strand). Cytogenetic location: 1q21.3.
Variant type: single nucleotide variant.
Coding change: c.3568C>T on transcript NM_001111.5 (MANE Select); coding-DNA position 3568, C replaced by T.
Protein change: p.Arg1190Cys; replaces arginine 1190 with cysteine.
Molecular consequence: missense variant.
Genome position (GRCh38, 1-based): chr1:154,584,919, G>A on the plus strand (C>T on the coding strand, the complement: ADAR is on the minus strand). VCF-style: chr1-154584919-G-A. GRCh37 (hg19) VCF-style: chr1-154557395-G-A.
Other names: c.2683C>T, p.Arg895Cys (NM_001025107.3, NM_001193495.2, NM_001365046.1 and 2 more transcripts); c.3595C>T, p.Arg1199Cys (NM_001365045.1); c.2605C>T, p.Arg869Cys (NM_001365049.1); c.3490C>T, p.Arg1164Cys (NM_015840.4); c.3433C>T, p.Arg1145Cys (NM_015841.4); short protein forms R1145C, R1199C, R869C, R1190C, R895C, R1164C.
Identifiers: ClinVar variation 943870 (VCV000943870.9), dbSNP rs979532140, ClinGen allele CA30848594.
Genomic context (GRCh38, chr1:154,584,919, plus strand): 5'-TCCCATAGCCCATATCCTTCAGGCCTTTTTTGAAGTAGTTCTTGGCCGTCTCGTAGTCAC[G>A]GGCAGCTTTCTTGGCCTCACCATAGGAGAGTCTCAGTAGATCCCTGCGGTAACGGAAGGA-3'
Protein context (NP_001102.3, residues 1180-1200): LSYGEAKKAA[Arg1190Cys]DYETAKNYFK

ClinVar aggregate classification (germline): Uncertain significance (1 of 4 stars; one submission).

Conditions:
Symmetrical dyschromatosis of extremities (DSH). Also called: RETICULATE ACROPIGMENTATION OF DOHI; SYMMETRIC DYSCHROMATOSIS OF THE EXTREMITIES; Dyschromatosis symmetrica hereditaria; DYSCHROMATOSIS SYMMETRICA HEREDITARIA 1. Identifiers: Orphanet 41, MedGen C0406775, MONDO:0007483, OMIM 127400.
Aicardi-Goutieres syndrome 6 (AGS6). Identifiers: Orphanet 51, MedGen C3539013, MONDO:0014007, OMIM 615010.

Allele frequency attached by ClinVar (database versions not stated): gnomAD exomes below 0.00001; gnomAD 0.00001; TOPMed 0.00002.
gnomAD v4.1: 8 of 1,613,940 alleles (0.0005%); highest among the groups gnomAD compares: South Asian, 0.0011%; no homozygotes.

Submission:

Labcorp Genetics (formerly Invitae), Labcorp
Classification: Uncertain significance for Aicardi-Goutieres syndrome 6; Symmetrical dyschromatosis of extremities. Last evaluated: 2025-12-23. Review status: criteria provided, single submitter. Criteria: Invitae Variant Classification Sherloc (09022015). Collection method: clinical testing. Allele origin: germline.
Comment: This sequence change replaces arginine, which is basic and polar, with cysteine, which is neutral and slightly polar, at codon 1190 of the ADAR protein (p.Arg1190Cys). This variant is present in population databases (no rsID available, gnomAD 0.01%). This variant has not been reported in the literature in individuals affected with ADAR-related conditions. ClinVar contains an entry for this variant (Variation ID: 943870). Invitae Evidence Modeling of protein sequence and biophysical properties (such as structural, functional, and spatial information, amino acid conservation, physicochemical variation, residue mobility, and thermodynamic stability) indicates that this missense variant is not expected to disrupt ADAR protein function with a negative predictive value of 80%. In summary, the available evidence is currently insufficient to determine the role of this variant in disease. Therefore, it has been classified as a Variant of Uncertain Significance.